The following is an entry in ClinVar:

ClinVar aggregate classification (germline): Uncertain significance (1 of 4 stars; one submission).

Conditions:
Hereditary nonpolyposis colorectal neoplasms. Identifiers: MedGen C0009405, MeSH D003123.

Allele frequency attached by ClinVar (database versions not stated): gnomAD exomes below 0.00001.
gnomAD v4.1: 1 of 1,614,208 alleles (0.000062%); highest among the groups gnomAD compares: East Asian, 0.0022%; no homozygotes.

Submission:

Labcorp Genetics (formerly Invitae), Labcorp
Classification: Uncertain significance for Hereditary nonpolyposis colorectal neoplasms. Last evaluated: 2023-11-10. Review status: criteria provided, single submitter. Criteria: Invitae Variant Classification Sherloc (09022015). Collection method: clinical testing. Allele origin: germline.
Comment: This sequence change replaces leucine, which is neutral and non-polar, with arginine, which is basic and polar, at codon 887 of the MSH6 protein (p.Leu887Arg). This variant is not present in population databases (gnomAD no frequency). This variant has not been reported in the literature in individuals affected with MSH6-related conditions. ClinVar contains an entry for this variant (Variation ID: 657139). Advanced modeling of protein sequence and biophysical properties (such as structural, functional, and spatial information, amino acid conservation, physicochemical variation, residue mobility, and thermodynamic stability) performed at Invitae indicates that this missense variant is expected to disrupt MSH6 protein function with a positive predictive value of 80%. In summary, the available evidence is currently insufficient to determine the role of this variant in disease. Therefore, it has been classified as a Variant of Uncertain Significance.

NM_000179.3(MSH6):c.2660T>G (p.Leu887Arg)

Gene: MSH6 (mutS homolog 6; plus strand). Cytogenetic location: 2p16.3.
Variant type: single nucleotide variant.
Coding change: c.2660T>G on transcript NM_000179.3 (MANE Select); coding-DNA position 2660, T replaced by G.
Protein change: p.Leu887Arg; replaces leucine 887 with arginine.
Molecular consequence: missense variant.
Genome position (GRCh38, 1-based): chr2:47,800,643, T>G. VCF-style: chr2-47800643-T-G. GRCh37 (hg19) VCF-style: chr2-48027782-T-G.
Other names: c.2270T>G, p.Leu757Arg (NM_001281492.2); c.1754T>G, p.Leu585Arg (NM_001281493.2, NM_001281494.2); short protein forms L585R, L887R, L757R.
Identifiers: ClinVar variation 657139 (VCV000657139.9), dbSNP rs1558666142, ClinGen allele CA346755202.